The following is an entry in ClinVar:

ClinVar aggregate classification (germline): Uncertain significance (1 of 4 stars; one submission).

Conditions:
Deficiency of steroid 11-beta-monooxygenase (CYP11B1). Also called: 11-BETA-HYDROXYLASE DEFICIENCY; STEROID 11-BETA-HYDROXYLASE DEFICIENCY; ADRENAL HYPERPLASIA, CONGENITAL, DUE TO STEROID 11-BETA-HYDROXYLASE DEFICIENCY; Congenital adrenal hyperplasia due to 11-beta-hydroxylase deficiency; P450C11B1 DEFICIENCY; ADRENAL HYPERPLASIA IV. Identifiers: Orphanet 90795, MedGen C0268292, MONDO:0008729, OMIM 202010. Disease mechanism: loss of function.

Submission:

3billion
Classification: Uncertain significance for Deficiency of steroid 11-beta-monooxygenase. Last evaluated: 2022-01-03. Review status: criteria provided, single submitter. Criteria: ACMG Guidelines, 2015. Collection method: clinical testing. Allele origin: germline. Affected: yes. Observed: 1 homozygote.
Comment: The variant not observed in the gnomAD v2.1.1 dataset (PM2_M). Therefore, this variant is classified as uncertain significance according to the recommendation of ACMG/AMP guideline.

NM_000497.4(CYP11B1):c.954+31G>A

Genes: CYP11B1 (cytochrome P450 family 11 subfamily B member 1; minus strand), LOC106799833 (CYP11B1 recombination region; plus strand). Cytogenetic location: 8q24.3.
Variant type: single nucleotide variant.
Coding change: c.954+31G>A on transcript NM_000497.4 (MANE Select); 31 bases into the intron after coding-DNA position 954, G replaced by A.
Molecular consequence: intron variant.
Genome position (GRCh38, 1-based): chr8:142,876,210, C>T on the plus strand (G>A on the coding strand, the complement: CYP11B1 is on the minus strand). VCF-style: chr8-142876210-C-T. GRCh37 (hg19) VCF-style: chr8-143957626-C-T.
Other names: c.954+31G>A (NM_001026213.1).
Identifiers: ClinVar variation 1333300 (VCV001333300.1), dbSNP rs2130272862, ClinGen allele CA2573052978.
Genomic context (GRCh38, chr8:142,876,210, plus strand): 5'-GACACGTGGGCGCCGTGTGACATTGGCAGGCAGTGCCTGGGAGGCAGGCTTGGCATCACC[C>T]TCTCTGGGTGGGGCTGGTTGCCGGCCTGACCGTGTCCACGCTCCCTGCAGTGAGTTCCAT-3'